The following is an entry in ClinVar:

NM_006005.3(WFS1):c.1869G>A (p.Met623Ile)

Gene: WFS1 (wolframin ER transmembrane glycoprotein; plus strand). Cytogenetic location: 4p16.1.
Variant type: single nucleotide variant.
Coding change: c.1869G>A on transcript NM_006005.3 (MANE Select); coding-DNA position 1869, G replaced by A.
Protein change: p.Met623Ile; replaces methionine 623 with isoleucine.
Molecular consequence: missense variant.
Genome position (GRCh38, 1-based): chr4:6,301,664, G>A. VCF-style: chr4-6301664-G-A. GRCh37 (hg19) VCF-style: chr4-6303391-G-A.
Other names: c.1869G>A, p.Met623Ile (NM_001145853.1); short protein forms M623I.
Identifiers: ClinVar variation 1374367 (VCV001374367.6), dbSNP rs778295023, ClinGen allele CA2839528.

ClinVar aggregate classification (germline): Uncertain significance (1 of 4 stars; one submission).

Allele frequency attached by ClinVar (database versions not stated): gnomAD exomes below 0.00001; ExAC 0.00001; TOPMed 0.00001.
gnomAD v4.1: 5 of 1,614,080 alleles (0.00031%); highest among the groups gnomAD compares: Non-Finnish European, 0.00042%; no homozygotes.

Submission:

Labcorp Genetics (formerly Invitae), Labcorp
Classification: Uncertain significance. Last evaluated: 2021-12-29. Review status: criteria provided, single submitter. Criteria: Invitae Variant Classification Sherloc (09022015). Collection method: clinical testing. Allele origin: germline.
Comment: In summary, the available evidence is currently insufficient to determine the role of this variant in disease. Therefore, it has been classified as a Variant of Uncertain Significance. Algorithms developed to predict the effect of sequence changes on RNA splicing suggest that this variant may create or strengthen a splice site. Advanced modeling of protein sequence and biophysical properties (such as structural, functional, and spatial information, amino acid conservation, physicochemical variation, residue mobility, and thermodynamic stability) performed at Invitae indicates that this missense variant is not expected to disrupt WFS1 protein function. This variant has not been reported in the literature in individuals affected with WFS1-related conditions. The frequency data for this variant in the population databases is considered unreliable, as metrics indicate poor data quality at this position in the gnomAD database. This sequence change replaces methionine, which is neutral and non-polar, with isoleucine, which is neutral and non-polar, at codon 623 of the WFS1 protein (p.Met623Ile).